The following is an entry in ClinVar:

ClinVar aggregate classification (germline): Uncertain significance. Review status: criteria provided, multiple submitters, no conflicts (2 of 4 stars). 2 submissions from 2 submitters: Uncertain significance (2). Last evaluated 2022-07-28.

Conditions:
Hereditary cancer-predisposing syndrome. Also called: Tumor predisposition; Hereditary Cancer Syndrome; Hereditary neoplastic syndrome; Neoplastic Syndromes, Hereditary. Identifiers: Orphanet 140162, MedGen C0027672, MeSH D009386, MONDO:0015356.
Familial adenomatous polyposis 1 (FAP1). Also called: FAMILIAL ADENOMATOUS POLYPOSIS 1, ATTENUATED; POLYPOSIS, ADENOMATOUS INTESTINAL. Identifiers: MedGen C2713442, MONDO:0021056, OMIM 175100. Disease mechanism: loss of function.

Allele frequency attached by ClinVar (database versions not stated): gnomAD exomes below 0.00001.
gnomAD v4.1: 3 of 1,612,830 alleles (0.00019%); highest among the groups gnomAD compares: Non-Finnish European, 0.00025%; no homozygotes.

Submissions (2):

Ambry Genetics
Classification: Uncertain significance for Hereditary cancer-predisposing syndrome. Last evaluated: 2022-07-28. Review status: criteria provided, single submitter. Criteria: Ambry Variant Classification Scheme 2023. Collection method: clinical testing. Allele origin: germline.
Comment: The p.I231M variant (also known as c.693A>G), located in coding exon 6 of the APC gene, results from an A to G substitution at nucleotide position 693. The isoleucine at codon 231 is replaced by methionine, an amino acid with highly similar properties. This amino acid position is conserved. In addition, in silico predictors for this gene do not accurately predict pathogenicity. Since supporting evidence is limited at this time, the clinical significance of this alteration remains unclear.

Labcorp Genetics (formerly Invitae), Labcorp
Classification: Uncertain significance for Familial adenomatous polyposis 1. Last evaluated: 2017-08-09. Review status: criteria provided, single submitter. Criteria: Invitae Variant Classification Sherloc (09022015). Collection method: clinical testing. Allele origin: germline.
Comment: In summary, the available evidence is currently insufficient to determine the role of this variant in disease. Therefore, it has been classified as a Variant of Uncertain Significance. Algorithms developed to predict the effect of missense changes on protein structure and function do not agree on the potential impact of this missense change (SIFT: "Deleterious"; PolyPhen-2: "Benign"; Align-GVGD: "Class C0"). This variant has not been reported in the literature in individuals with APC-related disease. This variant is not present in population databases (ExAC no frequency). This sequence change replaces isoleucine with methionine at codon 231 of the APC protein (p.Ile231Met). The isoleucine residue is moderately conserved and there is a small physicochemical difference between isoleucine and methionine.

NM_000038.6(APC):c.693A>G (p.Ile231Met)

Gene: APC (APC regulator of Wnt signaling pathway; plus strand). Cytogenetic location: 5q22.2.
Variant type: single nucleotide variant.
Coding change: c.693A>G on transcript NM_000038.6 (MANE Select); coding-DNA position 693, A replaced by G.
Protein change: p.Ile231Met; replaces isoleucine 231 with methionine.
Molecular consequence: missense variant. On other transcripts: 5 prime UTR variant (1), intron variant (2).
Genome position (GRCh38, 1-based): chr5:112,792,493, A>G. VCF-style: chr5-112792493-A-G. GRCh37 (hg19) VCF-style: chr5-112128190-A-G.
Other names: c.693A>G, p.Ile231Met (NM_001127510.3, NM_001354895.2, NM_001354896.2 and 1 more transcripts); c.723A>G, p.Ile241Met (NM_001354897.2, NM_001354902.2); c.618A>G, p.Ile206Met (NM_001354898.2, NM_001354904.2); c.516A>G, p.Ile172Met (NM_001354900.2, NM_001354901.2, NM_001354905.2); c.-343A>G (NM_001354906.2); c.676-8786A>G (NM_001127511.3); c.646-8786A>G (NM_001354899.2); short protein forms I231M, I172M, I206M, I241M.
Identifiers: ClinVar variation 537471 (VCV000537471.12), dbSNP rs1554074769, ClinGen allele CA16022851.
Genomic context (GRCh38, chr5:112,792,493, plus strand): 5'-TGTTTTATTTTAGCGAAGAATAGCCAGAATTCAGCAAATCGAAAAGGACATACTTCGTAT[A>G]CGACAGCTTTTACAGTCCCAAGCAACAGAAGCAGAGGTTAGTAAATTGCCTTTCTTGTTT-3'
Protein context (NP_000029.2, residues 221-241): IQQIEKDILR[Ile231Met]RQLLQSQATE